The following is an entry in ClinVar:

NM_004959.5(NR5A1):c.870+8_870+11del

Gene: NR5A1 (nuclear receptor subfamily 5 group A member 1; minus strand). Cytogenetic location: 9q33.3.
Variant type: Microsatellite.
Coding change: c.870+8_870+11del on transcript NM_004959.5 (MANE Select); bases 8 to 11 of the intron after coding-DNA position 870, 4 bases deleted (TCTC; older notation c.870+8_870+11delTCTC).
Molecular consequence: intron variant.
Genome position (GRCh38, 1-based): chr9:124,500,079-124,500,082, GAGA deleted on the plus strand (TCTC on the coding strand, the reverse complement: NR5A1 is on the minus strand); deleting any 4 consecutive bases within chr9:124,500,079-124,500,084 gives the same sequence; the c. name uses the placement nearest the transcript's 3' end. VCF-style (leftmost placement, unchanged base first): chr9-124500078-GGAGA-G. GRCh37 (hg19) VCF-style: chr9-127262357-GGAGA-G.
Identifiers: ClinVar variation 4782739 (VCV004782739.1).

ClinVar aggregate classification (germline): Uncertain significance (1 of 4 stars; one submission).

Conditions:
46 XY differences of sex development. Also called: 46, XY disorder of sex development (DSD); 46,XY disorder of sex development. Identifiers: Orphanet 98085, MedGen C2751824, MONDO:0020040.
Oligosynaptic infertility (SPGF1). Also called: SPERMATOGENIC FAILURE 1; OLIGOCHIASMATIC INFERTILITY. Identifiers: MedGen C0403810, MONDO:0009776, OMIM 258150.

Submission:

Labcorp Genetics (formerly Invitae), Labcorp
Classification: Uncertain significance for 46 XY differences of sex development; Oligosynaptic infertility. Last evaluated: 2025-12-29. Review status: criteria provided, single submitter. Criteria: Invitae Variant Classification Sherloc (09022015). Collection method: clinical testing. Allele origin: germline.
Comment: This sequence change falls in intron 4 of the NR5A1 gene. It does not directly change the encoded amino acid sequence of the NR5A1 protein. This variant is not present in population databases (gnomAD no frequency). This variant has been observed in individual(s) with NR5A1-related conditions (PMID: 20861607). In at least one individual the data is consistent with being in trans (on the opposite chromosome) from a pathogenic variant. It has also been observed to segregate with disease in related individuals. This variant is also known as g.3314-3317delTCTC. Studies have shown that this variant is associated with inconclusive levels of altered splicing (PMID: 20861607). In summary, the available evidence is currently insufficient to determine the role of this variant in disease. Therefore, it has been classified as a Variant of Uncertain Significance.

Literature cited by the submitters: PubMed 20861607.